The following is an entry in ClinVar:

NM_017934.7(PHIP):c.2710del (p.Glu904fs)

Gene: PHIP (PHIP subunit of CUL4-Ring ligase complex; minus strand). Cytogenetic location: 6q14.1.
Variant type: Deletion.
Coding change: c.2710del on transcript NM_017934.7 (MANE Select); coding-DNA position 2710, one base deleted (G; older notation c.2710delG).
Protein change: p.Glu904fs; shifts the reading frame from glutamic acid 904.
Molecular consequence: frameshift variant.
Genome position (GRCh38, 1-based): chr6:78,982,945, C deleted on the plus strand (G on the coding strand, the reverse complement: PHIP is on the minus strand). VCF-style (leftmost placement, unchanged base first): chr6-78982944-TC-T. GRCh37 (hg19) VCF-style: chr6-79692661-TC-T.
Other names: short protein forms E904fs.
Identifiers: ClinVar variation 2630007 (VCV002630007.1), dbSNP rs2481962808, ClinGen allele CA2695198314.
Genomic context (GRCh38, chr6:78,982,944, plus strand): 5'-ACCTTTTGTTTTCTTTCTTTGGGCTTCTTTTTCTTTGGTGATATTGGTCCATCTTTTTCT[TC>T]ATTTACTTTTTTCTTTTCCTTTTTAATCTGTTTTTGCTTCTGTTTTTCAGATTCTTCTTC-3'

ClinVar aggregate classification (germline): Likely pathogenic (1 of 4 stars; one submission).

Conditions:
PHIP-related disorder. Also called: PHIP-related condition; PHIP-related disorders.

Submission:

PreventionGenetics, part of Exact Sciences
Classification: Likely pathogenic for PHIP-related condition. Last evaluated: 2022-12-12. Review status: criteria provided, single submitter. Criteria: ACMG Guidelines, 2015. Collection method: clinical testing. Allele origin: germline.
Comment: The PHIP c.2710delG variant is predicted to result in a frameshift and premature protein termination (p.Glu904Lysfs*27). To our knowledge, this variant has not been reported in the literature or in a large population database, indicating this variant is rare. Frameshift variants in PHIP are expected to be pathogenic. This variant is interpreted as likely pathogenic.